The following is an entry in ClinVar:

NM_007294.4(BRCA1):c.1538A>G (p.His513Arg)

Gene: BRCA1 (BRCA1 DNA repair associated; minus strand). Cytogenetic location: 17q21.31.
Variant type: single nucleotide variant.
Coding change: c.1538A>G on transcript NM_007294.4 (MANE Select); coding-DNA position 1538, A replaced by G.
Protein change: p.His513Arg; replaces histidine 513 with arginine.
Molecular consequence: missense variant. On other transcripts: intron variant (137).
Genome position (GRCh38, 1-based): chr17:43,093,993, T>C on the plus strand (A>G on the coding strand, the complement: BRCA1 is on the minus strand). VCF-style: chr17-43093993-T-C. GRCh37 (hg19) VCF-style: chr17-41246010-T-C.
Other names: c.667+1853A>G (NM_001408421.1, NM_001408431.1, NM_001408424.1); c.1535A>G, p.His512Arg (NM_001407636.1, NM_001407637.1, NM_001407638.1 and 22 more transcripts); c.1538A>G, p.His513Arg (NM_001407639.1, NM_001407640.1, NM_001407641.1 and 30 more transcripts); c.709+751A>G (NM_001408409.1, NM_001408412.1, NM_001408414.1 and 2 more transcripts); c.664+751A>G (NM_001408427.1, NM_001408436.1, NM_001408444.1 and 12 more transcripts); c.646+751A>G (NM_001408460.1, NM_001408454.1, NM_001408458.1 and 11 more transcripts); c.586+751A>G (NM_001408476.1, NM_001408474.1); c.523+751A>G (NM_001408496.1, NM_001408498.1, NM_001408501.1 and 3 more transcripts); and 40 more; short protein forms H513R, H466R, H385R, H471R, H486R, H512R, H443R, H465R.
Identifiers: ClinVar variation 531377 (VCV000531377.12), dbSNP rs1356078500, ClinGen allele CA10598976.

ClinVar aggregate classification (germline): Conflicting classifications of pathogenicity. Review status: criteria provided, conflicting classifications (1 of 4 stars). 2 submissions from 2 submitters: Uncertain significance (1); Likely benign (1). Last evaluated 2023-03-23.

Conditions:
Hereditary cancer-predisposing syndrome. Also called: Hereditary neoplastic syndrome; Neoplastic Syndromes, Hereditary; Tumor predisposition; Hereditary Cancer Syndrome. Identifiers: Orphanet 140162, MedGen C0027672, MeSH D009386, MONDO:0015356.
Hereditary breast ovarian cancer syndrome. Also called: Hereditary breast and ovarian cancer syndrome (HBOC); BRCA1- and BRCA2-Associated Hereditary Breast and Ovarian Cancer; Hereditary breast and ovarian cancer syndrome; Breast and ovarian cancer; Hereditary breast and ovarian cancer; Hereditary breast and/or ovarian cancer syndrome. Identifiers: Orphanet 145, MedGen C0677776, MeSH D061325, MONDO:0003582. Disease mechanism: loss of function.

gnomAD v4.1: 2 of 1,613,964 alleles (0.00012%); highest among the groups gnomAD compares: South Asian, 0.0011%; no homozygotes.

Submissions (2):

University of Washington Department of Laboratory Medicine, University of Washington
Classification: Likely benign for Hereditary cancer-predisposing syndrome. Last evaluated: 2023-03-23. Review status: criteria provided, single submitter. Criteria: Dines et al. (Genet Med. 2020). Collection method: curation. Allele origin: germline.
Comment: Missense variant in a coldspot region where missense variants are very unlikely to be pathogenic (PMID:31911673).

BRCA1 coldspot (exon 11 using historical exon numbering). Reclassification based on statistical prior probability

Labcorp Genetics (formerly Invitae), Labcorp
Classification: Uncertain significance for Hereditary breast ovarian cancer syndrome. Last evaluated: 2017-11-19. Review status: criteria provided, single submitter. Criteria: Invitae Variant Classification Sherloc (09022015). Collection method: clinical testing. Allele origin: germline.
Comment: Algorithms developed to predict the effect of missense changes on protein structure and function output the following: SIFT: "Tolerated"; PolyPhen-2: "Benign"; Align-GVGD: "Class C0". The arginine amino acid residue is found in multiple mammalian species, suggesting that this missense change does not adversely affect protein function. These predictions have not been confirmed by published functional studies and their clinical significance is uncertain. In summary, the available evidence is currently insufficient to determine the role of this variant in disease. Therefore, it has been classified as a Variant of Uncertain Significance. This variant has not been reported in the literature in individuals with BRCA1-related disease. This variant is not present in population databases (ExAC no frequency). This sequence change replaces histidine with arginine at codon 513 of the BRCA1 protein (p.His513Arg). The histidine residue is weakly conserved and there is a small physicochemical difference between histidine and arginine.